The following is an entry in ClinVar:

NM_014806.5(RUSC2):c.358G>T (p.Asp120Tyr)

Gene: RUSC2 (RUN and SH3 domain containing 2; plus strand). Cytogenetic location: 9p13.3.
Variant type: single nucleotide variant.
Coding change: c.358G>T on transcript NM_014806.5 (MANE Select); coding-DNA position 358, G replaced by T.
Protein change: p.Asp120Tyr; replaces aspartic acid 120 with tyrosine.
Molecular consequence: missense variant. On other transcripts: non-coding transcript variant (1), intron variant (1).
Genome position (GRCh38, 1-based): chr9:35,546,879, G>T. VCF-style: chr9-35546879-G-T. GRCh37 (hg19) VCF-style: chr9-35546876-G-T.
Other names: c.358G>T, p.Asp120Tyr (NM_001135999.2); c.-620-8181G>T (NM_001330740.2); c.358G>T (NM_001135999.1); short protein forms D120Y.
Identifiers: ClinVar variation 1358397 (VCV001358397.4), dbSNP rs770755738, ClinGen allele CA5043448.
Genomic context (GRCh38, chr9:35,546,879, plus strand): 5'-CACAACCCCTTCTTGCTGCAGGAGGGTGTGGGTGAGCCAGGACTTGGTGACCTGTATGAT[G>T]ACAGCATTGGTGACAGTGCCACCCAGCAGTCCTTCCACCTGCATGGCACTGGCCAGCCCA-3'
Protein context (NP_055621.2, residues 110-130): GEPGLGDLYD[Asp120Tyr]SIGDSATQQS

ClinVar aggregate classification (germline): Uncertain significance. Review status: criteria provided, multiple submitters, no conflicts (2 of 4 stars). 2 submissions from 2 submitters: Uncertain significance (2). Last evaluated 2025-05-14.

Allele frequency attached by ClinVar (database versions not stated): gnomAD 0.00005 and 0.00004; TOPMed 0.00005; gnomAD exomes below 0.00001 and 0.00001; ExAC 0.00002.
gnomAD v4.1: 12 of 1,597,044 alleles (0.00075%); highest among the groups gnomAD compares: African/African-American, 0.011%; no homozygotes.

Submissions (2):

Ambry Genetics
Classification: Uncertain significance. Last evaluated: 2025-05-14. Review status: criteria provided, single submitter. Criteria: Ambry Variant Classification Scheme 2023. Collection method: clinical testing. Allele origin: germline.

Labcorp Genetics (formerly Invitae), Labcorp
Classification: Uncertain significance. Last evaluated: 2022-02-24. Review status: criteria provided, single submitter. Criteria: Invitae Variant Classification Sherloc (09022015). Collection method: clinical testing. Allele origin: germline.
Comment: This sequence change replaces aspartic acid, which is acidic and polar, with tyrosine, which is neutral and polar, at codon 120 of the RUSC2 protein (p.Asp120Tyr). This variant is present in population databases (rs770755738, gnomAD 0.02%). This variant has not been reported in the literature in individuals affected with RUSC2-related conditions. Algorithms developed to predict the effect of missense changes on protein structure and function are either unavailable or do not agree on the potential impact of this missense change (SIFT: "Deleterious"; PolyPhen-2: "Possibly Damaging"; Align-GVGD: "Class C0"). In summary, the available evidence is currently insufficient to determine the role of this variant in disease. Therefore, it has been classified as a Variant of Uncertain Significance.